The following is an entry in ClinVar:

ClinVar aggregate classification (germline): Uncertain significance. Review status: criteria provided, multiple submitters, no conflicts (2 of 4 stars). 3 submissions from 3 submitters: Uncertain significance (3). Last evaluated 2025-10-09.

Conditions:
Dilated cardiomyopathy 3B (CMD3B). Also called: CMD3B: DMD-Related Dilated Cardiomyopathy; CARDIOMYOPATHY, DILATED, X-LINKED; DMD-Associated Dilated Cardiomyopathy. Identifiers: Orphanet 154, MedGen C3668940, MONDO:0010542, OMIM 302045.
Duchenne muscular dystrophy (DMD). Also called: Duchenne Muscular Dystrophy (DMD); MUSCULAR DYSTROPHY, PSEUDOHYPERTROPHIC PROGRESSIVE, DUCHENNE TYPE. Identifiers: Orphanet 98896, MedGen C0013264, MONDO:0010679, OMIM 310200.

Allele frequency attached by ClinVar (database versions not stated): ExAC 0.00001; TOPMed 0.00001; gnomAD 0.00002; gnomAD exomes 0.00002; ESP Exome Variant Server 0.00009.
gnomAD v4.1: 25 of 1,205,457 alleles (0.0021%); highest among the groups gnomAD compares: Non-Finnish European, 0.0024%; no homozygotes.

Submissions (3):

Labcorp Genetics (formerly Invitae), Labcorp
Classification: Uncertain significance for Duchenne muscular dystrophy. Last evaluated: 2025-10-09. Review status: criteria provided, single submitter. Criteria: Invitae Variant Classification Sherloc (09022015). Collection method: clinical testing. Allele origin: germline.
Comment: This sequence change replaces proline, which is neutral and non-polar, with serine, which is neutral and polar, at codon 478 of the DMD protein (p.Pro478Ser). This variant is present in population databases (rs375337020, gnomAD 0.001%). This variant has not been reported in the literature in individuals affected with DMD-related conditions. ClinVar contains an entry for this variant (Variation ID: 94467). Invitae Evidence Modeling of protein sequence and biophysical properties (such as structural, functional, and spatial information, amino acid conservation, physicochemical variation, residue mobility, and thermodynamic stability) indicates that this missense variant is not expected to disrupt DMD protein function with a negative predictive value of 95%. In summary, the available evidence is currently insufficient to determine the role of this variant in disease. Therefore, it has been classified as a Variant of Uncertain Significance.

Illumina Laboratory Services, Illumina
Classification: Uncertain significance for Dilated cardiomyopathy 3B. Last evaluated: 2017-04-28. Review status: criteria provided, single submitter. Criteria: ICSL Variant Classification Criteria 13 December 2019. Collection method: clinical testing. Allele origin: germline.
Comment: This variant was observed as part of a predisposition screen in an ostensibly healthy population. A literature search was performed for the gene, cDNA change, and amino acid change (where applicable). Publications were found based on this search. However, the evidence from the literature, in combination with allele frequency data from public databases where available, was not sufficient to rule this variant in or out of causing disease. Therefore, this variant is classified as a variant of unknown significance.

Eurofins Ntd Llc (ga)
Classification: Uncertain significance. Last evaluated: 2014-01-15. Review status: criteria provided, single submitter. Criteria: EGL Classification Definitions 2015. Collection method: clinical testing. Allele origin: germline. Observed: 1 variant allele, 1 heterozygote.

Literature cited by the submitters: PubMed 26743743 (cited by Illumina Laboratory Services, Illumina).

NM_004006.3(DMD):c.1432C>T (p.Pro478Ser)

Gene: DMD (dystrophin; minus strand). Cytogenetic location: Xp21.1.
Variant type: single nucleotide variant.
Coding change: c.1432C>T on transcript NM_004006.3 (MANE Select); coding-DNA position 1432, C replaced by T.
Protein change: p.Pro478Ser; replaces proline 478 with serine.
Molecular consequence: missense variant.
Genome position (GRCh38, 1-based): chrX:32,614,353, G>A on the plus strand (C>T on the coding strand, the complement: DMD is on the minus strand). VCF-style: chrX-32614353-G-A. GRCh37 (hg19) VCF-style: chrX-32632470-G-A.
Other names: c.1408C>T, p.Pro470Ser (NM_000109.4); c.1420C>T, p.Pro474Ser (NM_004009.3); c.1063C>T, p.Pro355Ser (NM_004010.3); short protein forms P474S, P355S, P470S.
Identifiers: ClinVar variation 94467 (VCV000094467.11), dbSNP rs375337020, ClinGen allele CA222301.